The following is an entry in ClinVar:

NM_001161352.2(KCNMA1):c.3259A>G (p.Ser1087Gly)

Genes: KCNMA1-AS1 (KCNMA1 antisense RNA 1; plus strand), KCNMA1 (potassium calcium-activated channel subfamily M alpha 1; minus strand). Cytogenetic location: 10q22.3.
Variant type: single nucleotide variant.
Coding change: c.3259A>G on transcript NM_001161352.2 (MANE Select); coding-DNA position 3259, A replaced by G.
Protein change: p.Ser1087Gly; replaces serine 1087 with glycine.
Molecular consequence: missense variant.
Genome position (GRCh38, 1-based): chr10:76,891,608, T>C on the plus strand (A>G on the coding strand, the complement: KCNMA1 is on the minus strand). VCF-style: chr10-76891608-T-C. GRCh37 (hg19) VCF-style: chr10-78651366-T-C.
Other names: c.3097A>G, p.Ser1033Gly (NM_001014797.3); c.3208A>G, p.Ser1070Gly (NM_001161353.2); c.2935A>G, p.Ser979Gly (NM_001271518.2); c.3175A>G, p.Ser1059Gly (NM_001271519.2); c.3094A>G, p.Ser1032Gly (NM_001322829.2, NM_001322836.2); c.3187A>G, p.Ser1063Gly (NM_001322830.2); c.3085A>G, p.Ser1029Gly (NM_001322832.2, NM_001410940.1, NM_002247.4); c.3178A>G, p.Ser1060Gly (NM_001322835.2, NM_001322837.2); and 1 more; short protein forms S1029G, S1032G, S1033G, S1059G, S1060G, S1063G, S1070G, S1087G.
Identifiers: ClinVar variation 2499779 (VCV002499779.5), dbSNP rs2548190699, ClinGen allele CA377403457.

ClinVar aggregate classification (germline): Uncertain significance. Review status: criteria provided, multiple submitters, no conflicts (2 of 4 stars). 3 submissions from 3 submitters: Uncertain significance (3). Last evaluated 2025-04-13.

Conditions:
Inborn genetic diseases. Identifiers: MedGen C0950123, MeSH D030342.
Generalized epilepsy-paroxysmal dyskinesia syndrome (PNKD3). Also called: Generalized epilepsy and paroxysmal dyskinesia; Paroxysmal nonkinesigenic dyskinesia, 3, with or without generalized epilepsy. Identifiers: Orphanet 79137, MedGen C5574945, MONDO:0012276, OMIM 609446.

Submissions (3):

Ambry Genetics
Classification: Uncertain significance for Inborn genetic diseases. Last evaluated: 2025-04-13. Review status: criteria provided, single submitter. Criteria: Ambry Variant Classification Scheme 2023. Collection method: clinical testing. Allele origin: germline.

Labcorp Genetics (formerly Invitae), Labcorp
Classification: Uncertain significance for Generalized epilepsy-paroxysmal dyskinesia syndrome. Last evaluated: 2022-11-08. Review status: criteria provided, single submitter. Criteria: Invitae Variant Classification Sherloc (09022015). Collection method: clinical testing. Allele origin: germline.
Comment: This variant is not present in population databases (gnomAD no frequency). This variant has not been reported in the literature in individuals affected with KCNMA1-related conditions. This sequence change replaces serine, which is neutral and polar, with glycine, which is neutral and non-polar, at codon 1029 of the KCNMA1 protein (p.Ser1029Gly). Advanced modeling of protein sequence and biophysical properties (such as structural, functional, and spatial information, amino acid conservation, physicochemical variation, residue mobility, and thermodynamic stability) performed at Invitae indicates that this missense variant is not expected to disrupt KCNMA1 protein function. In summary, the available evidence is currently insufficient to determine the role of this variant in disease. Therefore, it has been classified as a Variant of Uncertain Significance.

GeneDx
Classification: Uncertain significance. Last evaluated: 2022-10-24. Review status: criteria provided, single submitter. Criteria: GeneDx Variant Classification Process June 2021. Collection method: clinical testing. Allele origin: germline. Affected: yes.
Comment: Not observed at significant frequency in large population cohorts (gnomAD); In silico analysis supports that this missense variant has a deleterious effect on protein structure/function; Has not been previously published as pathogenic or benign to our knowledge